The following is an entry in ClinVar:

ClinVar aggregate classification (germline): Uncertain significance. Review status: criteria provided, multiple submitters, no conflicts (2 of 4 stars). 8 submissions from 8 submitters: Uncertain significance (8). Last evaluated 2026-01-21.

Conditions:
Intrauterine growth retardation, metaphyseal dysplasia, adrenal hypoplasia congenita, genital anomalies, and immunodeficiency. Also called: IMAGEI SYNDROME. Identifiers: MedGen C5193036, MONDO:0032684, OMIM 618336.
Facial dysmorphism-immunodeficiency-livedo-short stature syndrome. Also called: Facial dysmorphism, immunodeficiency, livedo, and short stature; FILS syndrome. Identifiers: Orphanet 352712, MedGen C3554576, MONDO:0014058, OMIM 615139.
Colorectal cancer, susceptibility to, 12 (CRCS12). Also called: COLORECTAL CANCER, SUSCEPTIBILITY TO, ON CHROMOSOME 12q24. Identifiers: Orphanet 220460, MedGen C3554460, MONDO:0014038, OMIM 615083.
Pediatric high-grade glioma. Identifiers: MedGen C5908419, MONDO:1010030.
Hereditary cancer-predisposing syndrome. Also called: Hereditary Cancer Syndrome; Tumor predisposition; Hereditary neoplastic syndrome; Neoplastic Syndromes, Hereditary. Identifiers: Orphanet 140162, MedGen C0027672, MeSH D009386, MONDO:0015356.

Allele frequency attached by ClinVar (database versions not stated): gnomAD 0.00001; TOPMed 0.00003; ExAC 0.00006; ESP Exome Variant Server 0.00008; 1000 Genomes Project 30x 0.00016; 1000 Genomes Project 0.00020.
gnomAD v4.1: 111 of 1,614,036 alleles (0.0069%); highest among the groups gnomAD compares: Non-Finnish European, 0.009%; no homozygotes.

Submissions (8):

Labcorp Genetics (formerly Invitae), Labcorp
Classification: Uncertain significance. Last evaluated: 2026-01-21. Review status: criteria provided, single submitter. Criteria: Invitae Variant Classification Sherloc (09022015). Collection method: clinical testing. Allele origin: germline.
Comment: This sequence change replaces arginine, which is basic and polar, with histidine, which is basic and polar, at codon 1878 of the POLE protein (p.Arg1878His). This variant is present in population databases (rs374022997, gnomAD 0.01%). This missense change has been observed in individual(s) with ovarian cancer (PMID: 30093976). ClinVar contains an entry for this variant (Variation ID: 240569). Invitae Evidence Modeling of protein sequence and biophysical properties (such as structural, functional, and spatial information, amino acid conservation, physicochemical variation, residue mobility, and thermodynamic stability) indicates that this missense variant is not expected to disrupt POLE protein function with a negative predictive value of 80%. In summary, the available evidence is currently insufficient to determine the role of this variant in disease. Therefore, it has been classified as a Variant of Uncertain Significance.

Center for Genomic Medicine, Rigshospitalet, Copenhagen University Hospital
Classification: Uncertain significance. Last evaluated: 2025-03-04. Review status: criteria provided, single submitter. Criteria: ACMG Guidelines, 2015. Collection method: clinical testing. Allele origin: germline.

Ambry Genetics
Classification: Uncertain significance for Hereditary cancer-predisposing syndrome. Last evaluated: 2024-07-30. Review status: criteria provided, single submitter. Criteria: Ambry Variant Classification Scheme 2023. Collection method: clinical testing. Allele origin: germline.
Comment: The p.R1878H variant (also known as c.5633G>A), located in coding exon 41 of the POLE gene, results from a G to A substitution at nucleotide position 5633. The arginine at codon 1878 is replaced by histidine, an amino acid with highly similar properties. This amino acid position is highly conserved in available vertebrate species. In addition, the in silico prediction for this alteration is inconclusive. Based on the available evidence, the clinical significance of this variant remains unclear.

Fulgent Genetics
Classification: Uncertain significance for Colorectal cancer, susceptibility to, 12; Facial dysmorphism-immunodeficiency-livedo-short stature syndrome; Intrauterine growth retardation, metaphyseal dysplasia, adrenal hypoplasia congenita, genital anomalies, and immunodeficiency. Last evaluated: 2024-06-21. Review status: criteria provided, single submitter. Criteria: ACMG Guidelines, 2015. Collection method: clinical testing. Allele origin: germline.

GeneDx
Classification: Uncertain significance. Last evaluated: 2023-10-30. Review status: criteria provided, single submitter. Criteria: GeneDx Variant Classification Process June 2021. Collection method: clinical testing. Allele origin: germline. Affected: yes.
Comment: In silico analysis supports that this missense variant has a deleterious effect on protein structure/function; Observed in an individual with ovarian cancer (PMID: 30093976); This variant is associated with the following publications: (PMID: 30093976)

Blueprint Genetics
Classification: Uncertain significance. Last evaluated: 2023-08-11. Review status: criteria provided, single submitter. Criteria: ACMG Guidelines, 2015. Collection method: clinical testing. Allele origin: germline.

Quest Diagnostics Nichols Institute San Juan Capistrano
Classification: Uncertain significance. Last evaluated: 2017-11-27. Review status: criteria provided, single submitter. Criteria: Quest Diagnostics criteria. Collection method: clinical testing. Allele origin: germline.

Laboratory of Medical Genetics Unit, Bambino Gesù Children's Hospital
Classification: Uncertain significance for Pediatric high-grade glioma. Review status: criteria provided, single submitter. Criteria: ACMG Guidelines, 2015. Collection method: research. Allele origin: germline. Affected: yes. Observed: 1 heterozygote.

Literature cited by the submitters: PubMed 30093976 (cited by Labcorp Genetics (formerly Invitae), Labcorp).

NM_006231.4(POLE):c.5633G>A (p.Arg1878His)

Gene: POLE (DNA polymerase epsilon, catalytic subunit; minus strand). Cytogenetic location: 12q24.33.
Variant type: single nucleotide variant.
Coding change: c.5633G>A on transcript NM_006231.4 (MANE Select); coding-DNA position 5633, G replaced by A.
Protein change: p.Arg1878His; replaces arginine 1878 with histidine.
Molecular consequence: missense variant.
Genome position (GRCh38, 1-based): chr12:132,638,059, C>T on the plus strand (G>A on the coding strand, the complement: POLE is on the minus strand). VCF-style: chr12-132638059-C-T. GRCh37 (hg19) VCF-style: chr12-133214645-C-T.
Other names: short protein forms R1878H.
Identifiers: ClinVar variation 240569 (VCV000240569.19), dbSNP rs374022997, ClinGen allele CA6892456.